The following is an entry in ClinVar:

ClinVar aggregate classification (germline): Likely benign. Review status: criteria provided, single submitter (1 of 4 stars). 2 submissions from 2 submitters: Likely benign (1). 1 of the submissions does not count toward it. Last evaluated 2025-10-18.

Conditions:
HMCN1-related disorder. Also called: HMCN1-related condition.

Allele frequency attached by ClinVar (database versions not stated): gnomAD 0.00001.

Submissions (2):

Labcorp Genetics (formerly Invitae), Labcorp
Classification: Likely benign. Last evaluated: 2025-10-18. Review status: criteria provided, single submitter. Criteria: Invitae Variant Classification Sherloc (09022015). Collection method: clinical testing. Allele origin: germline.

PreventionGenetics, part of Exact Sciences
Classification: Likely benign for HMCN1-related condition. Last evaluated: 2019-08-01. Review status: no assertion criteria provided. Collection method: clinical testing. Allele origin: germline. Not counted in ClinVar's aggregate classification.
Comment: This variant is classified as likely benign based on ACMG/AMP sequence variant interpretation guidelines (Richards et al. 2015 PMID: 25741868, with internal and published modifications).

NM_031935.3(HMCN1):c.499-8A>G

Gene: HMCN1 (hemicentin 1; plus strand). Cytogenetic location: 1q31.1.
Variant type: single nucleotide variant.
Coding change: c.499-8A>G on transcript NM_031935.3 (MANE Select); 8 bases into the intron before coding-DNA position 499, A replaced by G.
Molecular consequence: intron variant.
Genome position (GRCh38, 1-based): chr1:185,865,733, A>G. VCF-style: chr1-185865733-A-G. GRCh37 (hg19) VCF-style: chr1-185834865-A-G.
Identifiers: ClinVar variation 3050796 (VCV003050796.3), dbSNP rs1443538518, ClinGen allele CA527665542.